The following is an entry in ClinVar:

ClinVar aggregate classification (germline): Uncertain significance (1 of 4 stars; one submission).

Conditions:
Neutrophil immunodeficiency syndrome. Also called: Immunodeficiency 73A with defective neutrophil chemotaxis and leukocytosis. Identifiers: Orphanet 183707, MedGen C1842398, MONDO:0011988, OMIM 608203.

Submission:

Labcorp Genetics (formerly Invitae), Labcorp
Classification: Uncertain significance for Neutrophil immunodeficiency syndrome. Last evaluated: 2024-03-11. Review status: criteria provided, single submitter. Criteria: Invitae Variant Classification Sherloc (09022015). Collection method: clinical testing. Allele origin: germline.
Comment: This sequence change replaces glycine, which is neutral and non-polar, with arginine, which is basic and polar, at codon 30 of the RAC2 protein (p.Gly30Arg). This variant is not present in population databases (gnomAD no frequency). This variant has not been reported in the literature in individuals affected with RAC2-related conditions. ClinVar contains an entry for this variant (Variation ID: 854323). Advanced modeling of protein sequence and biophysical properties (such as structural, functional, and spatial information, amino acid conservation, physicochemical variation, residue mobility, and thermodynamic stability) performed at Invitae indicates that this missense variant is not expected to disrupt RAC2 protein function with a negative predictive value of 95%. In summary, the available evidence is currently insufficient to determine the role of this variant in disease. Therefore, it has been classified as a Variant of Uncertain Significance.

NM_002872.5(RAC2):c.88G>A (p.Gly30Arg)

Gene: RAC2 (Rac family small GTPase 2; minus strand). Cytogenetic location: 22q13.1.
Variant type: single nucleotide variant.
Coding change: c.88G>A on transcript NM_002872.5 (MANE Select); coding-DNA position 88, G replaced by A.
Protein change: p.Gly30Arg; replaces glycine 30 with arginine.
Molecular consequence: missense variant.
Genome position (GRCh38, 1-based): chr22:37,241,606, C>T on the plus strand (G>A on the coding strand, the complement: RAC2 is on the minus strand). VCF-style: chr22-37241606-C-T. GRCh37 (hg19) VCF-style: chr22-37637646-C-T.
Other names: short protein forms G30R.
Identifiers: ClinVar variation 854323 (VCV000854323.10), dbSNP rs1927394221, ClinGen allele CA411443961.
Genomic context (GRCh38, chr22:37,241,606, plus strand): 5'-CTCCCCTCCTCCCACCACCCCACATATCCCCAGGAACTCACACGGTGGGGATGTACTCTC[C>T]GGGAAAGGCGTTGGTGGTGTAGCTGATGAGAAGGCAGGTCTTGCCCACGGCCCTGAAAGA-3'
Protein context (NP_002863.1, residues 20-40): LISYTTNAFP[Gly30Arg]EYIPTVFDNY